The following is an entry in ClinVar:

ClinVar aggregate classification (germline): Pathogenic. Review status: criteria provided, multiple submitters, no conflicts (2 of 4 stars). 2 submissions from 2 submitters: Pathogenic (2). Last evaluated 2024-10-10.

Conditions:
Polycystic kidney disease, adult type (PKD1). Also called: POLYCYSTIC KIDNEY DISEASE 1 WITH OR WITHOUT POLYCYSTIC LIVER DISEASE; Polycystic Kidney Disease 1, Autosomal Dominant; Polycystic kidney disease 1; Polycystic kidney disease 1, severe; Polycystic Kidney, Autosomal Dominant; POLYCYSTIC KIDNEY DISEASE, ADULT, TYPE I. Identifiers: MedGen C3149841, MONDO:0008263, OMIM 173900.

Submissions (2):

Victorian Clinical Genetics Services, Murdoch Childrens Research Institute
Classification: Pathogenic for Polycystic kidney disease, adult type. Last evaluated: 2024-10-10. Review status: criteria provided, single submitter. Criteria: ACMG Guidelines, 2015. Collection method: clinical testing. Allele origin: germline. Inheritance: Autosomal dominant inheritance. Affected: yes.
Comment: Based on the classification scheme VCGS_Germline_v1.3.5, this variant is classified as Pathogenic. Following criteria are met: 0102 - Loss of function is a known mechanism of disease in this gene and is associated with polycystic kidney disease 1 (MIM#173900). (I) 0107 - This gene is associated with autosomal dominant disease. Polycystic kidney disease 1 (MIM#173900) is predominantly caused by monoallelic variants, with rare reports of biallelic variants causing disease (OMIM). (I) 0201 - Variant is predicted to cause nonsense-mediated decay (NMD) and loss of protein (premature termination codon is located at least 54 nucleotides upstream of the final exon-exon junction). (SP) 0251 - This variant is heterozygous. (I) 0301 - Variant is absent from gnomAD (v2, v3 and v4). (SP) 0701 - Other NMD-predicted variants comparable to the one identified in this case have very strong previous evidence for pathogenicity (DECIPHER). (SP) 0807 - This variant has no previous evidence of pathogenicity. (I) 0905 - No published segregation evidence has been identified for this variant. (I) 1007 - No published functional evidence has been identified for this variant. (I) 1208 - Inheritance information for this variant is not currently available in this individual. (I) Legend: (SP) - Supporting pathogenic, (I) - Information, (SB) - Supporting benign

Cavalleri Lab, Royal College of Surgeons in Ireland
Classification: Pathogenic for Polycystic kidney disease, adult type. Last evaluated: 2020-02-05. Review status: criteria provided, single submitter. Criteria: ACMG Guidelines, 2015. Collection method: research. Allele origin: unknown. Inheritance: Autosomal dominant inheritance. Affected: yes.
Comment: PVS1, PM2, PP4

NM_001009944.3(PKD1):c.4452del (p.Tyr1485fs)

Gene: PKD1 (polycystin 1, transient receptor potential channel interacting; minus strand). Cytogenetic location: 16p13.3.
Variant type: Deletion.
Coding change: c.4452del on transcript NM_001009944.3 (MANE Select); coding-DNA position 4452, one base deleted (G; older notation c.4452delG).
Protein change: p.Tyr1485fs; shifts the reading frame from tyrosine 1485.
Molecular consequence: frameshift variant.
Genome position (GRCh38, 1-based): chr16:2,110,715, C deleted on the plus strand (G on the coding strand, the reverse complement: PKD1 is on the minus strand). VCF-style (leftmost placement, unchanged base first): chr16-2110714-AC-A. GRCh37 (hg19) VCF-style: chr16-2160715-AC-A.
Other names: c.4452del, p.Tyr1485fs (NM_000296.4); c.4452delG (NM_001009944.2, NM_001009944.3); short protein forms Y1485fs.
Identifiers: ClinVar variation 873395 (VCV000873395.2), dbSNP rs2092479999, ClinGen allele CA1139664344.